The following is an entry in ClinVar:

NM_001458.5(FLNC):c.6491G>T (p.Trp2164Leu)

Genes: FLNC (filamin C; plus strand), FLNC-AS1 (FLNC antisense RNA 1; minus strand). Cytogenetic location: 7q32.1.
Variant type: single nucleotide variant.
Coding change: c.6491G>T on transcript NM_001458.5 (MANE Select); coding-DNA position 6491, G replaced by T.
Protein change: p.Trp2164Leu; replaces tryptophan 2164 with leucine.
Molecular consequence: missense variant.
Genome position (GRCh38, 1-based): chr7:128,853,980, G>T. VCF-style: chr7-128853980-G-T. GRCh37 (hg19) VCF-style: chr7-128494034-G-T.
Other names: c.6392G>T, p.Trp2131Leu (NM_001127487.2); short protein forms W2131L, W2164L.
Identifiers: ClinVar variation 3758019 (VCV003758019.2).

ClinVar aggregate classification (germline): Uncertain significance (1 of 4 stars; one submission).

Conditions:
Distal myopathy with posterior leg and anterior hand involvement. Also called: WILLIAMS DISTAL MYOPATHY. Identifiers: Orphanet 63273, MedGen C3279722, MONDO:0013550, OMIM 614065.
Hypertrophic cardiomyopathy 26. Also called: Cardiomyopathy, familial hypertrophic, 26. Identifiers: Orphanet 75249, MedGen C4310749, MONDO:0014883, OMIM 617047.
Myofibrillar myopathy 5. Also called: Filaminopathy (type); FILAMINOPATHY, AUTOSOMAL DOMINANT. Identifiers: Orphanet 171445, MedGen C1836050, MONDO:0012289, OMIM 609524.

Submission:

Labcorp Genetics (formerly Invitae), Labcorp
Classification: Uncertain significance for Distal myopathy with posterior leg and anterior hand involvement; Myofibrillar myopathy 5; Hypertrophic cardiomyopathy 26. Last evaluated: 2024-11-27. Review status: criteria provided, single submitter. Criteria: Invitae Variant Classification Sherloc (09022015). Collection method: clinical testing. Allele origin: germline.
Comment: This sequence change replaces tryptophan, which is neutral and slightly polar, with leucine, which is neutral and non-polar, at codon 2164 of the FLNC protein (p.Trp2164Leu). This variant is not present in population databases (gnomAD no frequency). This variant has not been reported in the literature in individuals affected with FLNC-related conditions. Invitae Evidence Modeling of protein sequence and biophysical properties (such as structural, functional, and spatial information, amino acid conservation, physicochemical variation, residue mobility, and thermodynamic stability) indicates that this missense variant is not expected to disrupt FLNC protein function with a negative predictive value of 80%. In summary, the available evidence is currently insufficient to determine the role of this variant in disease. Therefore, it has been classified as a Variant of Uncertain Significance.